The following is an entry in ClinVar:

NM_173630.4(RTTN):c.693+1G>T

Gene: RTTN (rotatin; minus strand). Cytogenetic location: 18q22.2.
Variant type: single nucleotide variant.
Coding change: c.693+1G>T on transcript NM_173630.4 (MANE Select); the canonical splice donor site of the intron after coding-DNA position 693, G replaced by T.
Molecular consequence: splice donor variant.
Genome position (GRCh38, 1-based): chr18:70,197,623, C>A on the plus strand (G>T on the coding strand, the complement: RTTN is on the minus strand). VCF-style: chr18-70197623-C-A. GRCh37 (hg19) VCF-style: chr18-67864859-C-A.
Other names: c.-1861+1G>T (NM_001318520.2).
Identifiers: ClinVar variation 2875103 (VCV002875103.3), dbSNP rs2061843481, ClinGen allele CA402700042.

ClinVar aggregate classification (germline): Likely pathogenic (1 of 4 stars; one submission).

Allele frequency attached by ClinVar (database versions not stated): TOPMed below 0.00001.

Submission:

Labcorp Genetics (formerly Invitae), Labcorp
Classification: Likely pathogenic. Last evaluated: 2023-09-09. Review status: criteria provided, single submitter. Criteria: Invitae Variant Classification Sherloc (09022015). Collection method: clinical testing. Allele origin: germline.
Comment: In summary, the currently available evidence indicates that the variant is pathogenic, but additional data are needed to prove that conclusively. Therefore, this variant has been classified as Likely Pathogenic. Algorithms developed to predict the effect of sequence changes on RNA splicing suggest that this variant may disrupt the consensus splice site. This variant has not been reported in the literature in individuals affected with RTTN-related conditions. This variant is not present in population databases (gnomAD no frequency). This sequence change affects a donor splice site in intron 6 of the RTTN gene. It is expected to disrupt RNA splicing. Variants that disrupt the donor or acceptor splice site typically lead to a loss of protein function (PMID: 16199547), and loss-of-function variants in RTTN are known to be pathogenic (PMID: 26608784, 26846091).

Literature cited by the submitters: PubMed 16199547; PubMed 26608784; PubMed 26846091.